The following is an entry in ClinVar:

ClinVar aggregate classification (germline): Uncertain significance (1 of 4 stars; one submission).

Conditions:
Baller-Gerold syndrome (BGS). Also called: CRANIOSYNOSTOSIS WITH RADIAL DEFECTS. Identifiers: Orphanet 1225, MedGen C0265308, MONDO:0009039, OMIM 218600.

Submission:

Labcorp Genetics (formerly Invitae), Labcorp
Classification: Uncertain significance for Baller-Gerold syndrome. Last evaluated: 2022-07-29. Review status: criteria provided, single submitter. Criteria: Invitae Variant Classification Sherloc (09022015). Collection method: clinical testing. Allele origin: germline.
Comment: In summary, the available evidence is currently insufficient to determine the role of this variant in disease. Therefore, it has been classified as a Variant of Uncertain Significance. Experimental studies and prediction algorithms are not available or were not evaluated, and the functional significance of this variant is currently unknown. This variant has not been reported in the literature in individuals affected with RECQL4-related conditions. This variant is not present in population databases (gnomAD no frequency). This sequence change replaces leucine, which is neutral and non-polar, with arginine, which is basic and polar, at codon 688 of the RECQL4 protein (p.Leu688Arg).

NM_004260.4(RECQL4):c.2063T>G (p.Leu688Arg)

Gene: RECQL4 (RecQ like helicase 4; minus strand). Cytogenetic location: 8q24.3.
Variant type: single nucleotide variant.
Coding change: c.2063T>G on transcript NM_004260.4 (MANE Select); coding-DNA position 2063, T replaced by G.
Protein change: p.Leu688Arg; replaces leucine 688 with arginine.
Molecular consequence: missense variant.
Genome position (GRCh38, 1-based): chr8:144,513,708, A>C on the plus strand (T>G on the coding strand, the complement: RECQL4 is on the minus strand). VCF-style: chr8-144513708-A-C. GRCh37 (hg19) VCF-style: chr8-145739092-A-C.
Other names: c.1967T>G, p.Leu656Arg (NM_001413017.1, NM_001413020.1); c.2063T>G, p.Leu688Arg (NM_001413018.1, NM_001413019.1, NM_001413036.1); c.992T>G, p.Leu331Arg (NM_001413021.1, NM_001413022.1, NM_001413023.1 and 6 more transcripts); c.1934T>G, p.Leu645Arg (NM_001413025.1); c.926T>G, p.Leu309Arg (NM_001413027.1, NM_001413041.1, NM_001413030.1 and 1 more transcripts); c.2033T>G, p.Leu678Arg (NM_001413039.1); c.962T>G, p.Leu321Arg (NM_001413042.1); c.596T>G, p.Leu199Arg (NM_001413043.1); and 4 more; short protein forms L199R, L265R, L287R, L309R, L321R, L331R, L571R, L644R.
Identifiers: ClinVar variation 1714292 (VCV001714292.5), dbSNP rs1315661208, ClinGen allele CA372680099.